The following is an entry in ClinVar:

ClinVar aggregate classification (germline): Conflicting classifications of pathogenicity. Review status: criteria provided, conflicting classifications (1 of 4 stars). 3 submissions from 3 submitters: Uncertain significance (1); Likely benign (2). Last evaluated 2026-01-19.

Conditions:
Propionic acidemia (PROP). Also called: GLYCINEMIA, KETOTIC; HYPERGLYCINEMIA WITH KETOACIDOSIS AND LEUKOPENIA; KETOTIC HYPERGLYCINEMIA. Identifiers: Orphanet 35, MedGen C0268579, MONDO:0011628, OMIM 606054, HP:0003571.

Allele frequency attached by ClinVar (database versions not stated): gnomAD 0.00009 and 0.00010; TOPMed 0.00009; gnomAD exomes 0.00014 and 0.00017; ExAC 0.00021; ESP Exome Variant Server 0.00023.
gnomAD v4.1: 214 of 1,613,936 alleles (0.013%); highest among the groups gnomAD compares: Non-Finnish European, 0.018%; no homozygotes.

Submissions (3):

Labcorp Genetics (formerly Invitae), Labcorp
Classification: Likely benign for Propionic acidemia. Last evaluated: 2026-01-19. Review status: criteria provided, single submitter. Criteria: Invitae Variant Classification Sherloc (09022015). Collection method: clinical testing. Allele origin: germline.

Blueprint Genetics
Classification: Likely benign. Last evaluated: 2024-01-23. Review status: criteria provided, single submitter. Criteria: ACMG Guidelines, 2015. Collection method: clinical testing. Allele origin: germline.

Illumina Laboratory Services, Illumina
Classification: Uncertain significance for Propionic acidemia. Last evaluated: 2017-04-28. Review status: criteria provided, single submitter. Criteria: ICSL Variant Classification Criteria 13 December 2019. Collection method: clinical testing. Allele origin: germline.
Comment: This variant was observed as part of a predisposition screen in an ostensibly healthy population. A literature search was performed for the gene, cDNA change, and amino acid change (where applicable). Publications were found based on this search. However, the evidence from the literature, in combination with allele frequency data from public databases where available, was not sufficient to rule this variant in or out of causing disease. Therefore, this variant is classified as a variant of unknown significance.

Literature cited by the submitters: PubMed 22033733 (cited by Illumina Laboratory Services, Illumina).

NM_000282.4(PCCA):c.1193G>C (p.Cys398Ser)

Gene: PCCA (propionyl-CoA carboxylase subunit alpha; plus strand). Cytogenetic location: 13q32.3.
Variant type: single nucleotide variant.
Coding change: c.1193G>C on transcript NM_000282.4 (MANE Select); coding-DNA position 1193, G replaced by C.
Protein change: p.Cys398Ser; replaces cysteine 398 with serine.
Molecular consequence: missense variant. On other transcripts: non-coding transcript variant (5), intron variant (3).
Genome position (GRCh38, 1-based): chr13:100,301,587, G>C. VCF-style: chr13-100301587-G-C. GRCh37 (hg19) VCF-style: chr13-100953841-G-C.
Other names: c.1115G>C, p.Cys372Ser (NM_001127692.3, NM_001352607.2); c.1193G>C, p.Cys398Ser (NM_001178004.2, NM_001352605.2, NM_001352609.2); c.248G>C, p.Cys83Ser (NM_001352610.2, NM_001352611.2); c.1066-1337G>C (NM_001352606.2); c.121-1337G>C (NM_001352612.2); c.988-1337G>C (NM_001352608.2); short protein forms C398S, C372S, C83S.
Identifiers: ClinVar variation 654854 (VCV000654854.16), dbSNP rs149293297, ClinGen allele CA7033527.